The following is an entry in ClinVar:

ClinVar aggregate classification (germline): Uncertain significance (1 of 4 stars; one submission).

Conditions:
Alstrom syndrome (ALMS). Identifiers: Orphanet 64, MedGen C0268425, MONDO:0008763, OMIM 203800.

Submission:

Labcorp Genetics (formerly Invitae), Labcorp
Classification: Uncertain significance for Alstrom syndrome. Last evaluated: 2025-06-10. Review status: criteria provided, single submitter. Criteria: Invitae Variant Classification Sherloc (09022015). Collection method: clinical testing. Allele origin: germline.
Comment: This variant, c.8867_8980del, results in the deletion of 38 amino acid(s) of the ALMS1 protein (p.Ser2956_Asp2993del), but otherwise preserves the integrity of the reading frame. This variant is not present in population databases (gnomAD no frequency). This variant has not been reported in the literature in individuals affected with ALMS1-related conditions. Experimental studies and prediction algorithms are not available or were not evaluated, and the functional significance of this variant is currently unknown. In summary, the available evidence is currently insufficient to determine the role of this variant in disease. Therefore, it has been classified as a Variant of Uncertain Significance.

NM_001378454.1(ALMS1):c.8864_8977del (p.Ser2955_Asp2992del)

Gene: ALMS1 (ALMS1 centrosome and basal body associated protein; plus strand). Cytogenetic location: 2p13.1.
Variant type: Deletion.
Coding change: c.8864_8977del on transcript NM_001378454.1 (MANE Select); coding-DNA positions 8864 to 8977, 114 bases deleted.
Protein change: p.Ser2955_Asp2992del.
Genome position (GRCh38, 1-based): chr2:73,490,823-73,490,936, 114 bases deleted. GRCh37 (hg19): chr2:73,717,950-73,718,063.
Other names: c.8867_8980del, p.Ser2956_Asp2993del (NM_015120.4).
Identifiers: ClinVar variation 4797027 (VCV004797027.1).